The following is an entry in ClinVar:

ClinVar aggregate classification (germline): Pathogenic (1 of 4 stars; one submission).

Submission:

Labcorp Genetics (formerly Invitae), Labcorp
Classification: Pathogenic. Last evaluated: 2024-01-31. Review status: criteria provided, single submitter. Criteria: Invitae Variant Classification Sherloc (09022015). Collection method: clinical testing. Allele origin: germline.
Comment: This sequence change creates a premature translational stop signal (p.Glu5Argfs*38) in the SKIV2L gene. It is expected to result in an absent or disrupted protein product. Loss-of-function variants in SKIV2L are known to be pathogenic (PMID: 22444670). This variant is not present in population databases (gnomAD no frequency). This variant has not been reported in the literature in individuals affected with SKIV2L-related conditions. For these reasons, this variant has been classified as Pathogenic.

Literature cited by the submitters: PubMed 22444670.

NM_006929.5(SKIC2):c.12_13insC (p.Glu5fs)

Gene: SKIC2 (SKI2 subunit of superkiller complex; plus strand). Cytogenetic location: 6p21.33.
Variant type: Insertion.
Coding change: c.12_13insC on transcript NM_006929.5 (MANE Select); coding-DNA positions 12 to 13, C inserted.
Protein change: p.Glu5fs; shifts the reading frame from glutamic acid 5.
Molecular consequence: frameshift variant.
Genome position: GRCh38 VCF-style: chr6-31959204-A-AC. GRCh37 (hg19) VCF-style: chr6-31926981-A-AC.
Other names: short protein forms E5fs.
Identifiers: ClinVar variation 3607956 (VCV003607956.2).